The following is an entry in ClinVar:

ClinVar aggregate classification (germline): Likely pathogenic (1 of 4 stars; one submission).

Submission:

CeGaT Center for Human Genetics Tuebingen
Classification: Likely pathogenic. Last evaluated: 2026-03-01. Review status: criteria provided, single submitter. Criteria: CeGaT Center For Human Genetics Tuebingen Variant Classification Criteria Version 2. Collection method: clinical testing. Allele origin: germline. Affected: yes. Observed: 1 variant allele.
Comment: KDM3B: PVS1:Strong, PM2

NM_016604.4(KDM3B):c.4841G>A (p.Trp1614Ter)

Gene: KDM3B (lysine demethylase 3B; plus strand). Cytogenetic location: 5q31.2.
Variant type: single nucleotide variant.
Coding change: c.4841G>A on transcript NM_016604.4 (MANE Select); coding-DNA position 4841, G replaced by A.
Protein change: p.Trp1614Ter; replaces tryptophan 1614 with a stop codon.
Molecular consequence: nonsense.
Genome position (GRCh38, 1-based): chr5:138,429,913, G>A. VCF-style: chr5-138429913-G-A. GRCh37 (hg19) VCF-style: chr5-137765602-G-A.
Other names: short protein forms W1614*.
Identifiers: ClinVar variation 4823580 (VCV004823580.4).